The following is an entry in ClinVar:

ClinVar aggregate classification (germline): Benign (1 of 4 stars; one submission).

Conditions:
Episodic ataxia type 6. Identifiers: Orphanet 209967, MedGen C2675211, MONDO:0012982, OMIM 612656.

Allele frequency attached by ClinVar (database versions not stated): gnomAD 0.00085 and 0.00099; TOPMed 0.00168; 1000 Genomes Project 0.00260; 1000 Genomes Project 30x 0.00265.

Submission:

Illumina Laboratory Services, Illumina
Classification: Benign for Episodic ataxia type 6. Last evaluated: 2018-01-13. Review status: criteria provided, single submitter. Criteria: ICSL Variant Classification Criteria 13 December 2019. Collection method: clinical testing. Allele origin: germline.
Comment: This variant was observed in the ICSL laboratory as part of a predisposition screen in an ostensibly healthy population. It had not been previously curated by ICSL or reported in the Human Gene Mutation Database (HGMD: prior to June 1st, 2018), and was therefore a candidate for classification through an automated scoring system. Utilizing variant allele frequency, disease prevalence and penetrance estimates, and inheritance mode, an automated score was calculated to assess if this variant is too frequent to cause the disease. Based on the score and internal cut-off values, a variant classified as benign is not then subjected to further curation. The score for this variant resulted in a classification of benign for this disease.

NM_004172.5(SLC1A3):c.*1727A>G

Genes: SLC1A3 (solute carrier family 1 member 3; plus strand), SLC1A3-AS1 (SLC1A3 antisense RNA 1; minus strand). Cytogenetic location: 5p13.2.
Variant type: single nucleotide variant.
Coding change: c.*1727A>G on transcript NM_004172.5 (MANE Select); 1727 bases downstream of the stop codon, A replaced by G.
Molecular consequence: 3 prime UTR variant.
Genome position (GRCh38, 1-based): chr5:36,687,996, A>G. VCF-style: chr5-36687996-A-G. GRCh37 (hg19) VCF-style: chr5-36688098-A-G.
Other names: c.*1727A>G (NM_001166695.3, NM_001289939.2, NM_001289940.2).
Identifiers: ClinVar variation 353357 (VCV000353357.5), dbSNP rs2269273, ClinGen allele CA10620330.